The following is an entry in ClinVar:

NC_000007.13:g.(?_6022445)_(6022632_?)dup

Gene: PMS2 (PMS1 homolog 2, mismatch repair system component; minus strand). Cytogenetic location: 7p22.1.
Variant type: Duplication.
Identifiers: ClinVar variation 666225 (VCV000666225.2).

ClinVar aggregate classification (germline): Uncertain significance (1 of 4 stars; one submission).

Conditions:
Hereditary nonpolyposis colorectal neoplasms. Identifiers: MedGen C0009405, MeSH D003123.

Submission:

Labcorp Genetics (formerly Invitae), Labcorp
Classification: Uncertain significance for Hereditary nonpolyposis colon cancer. Last evaluated: 2019-12-10. Review status: criteria provided, single submitter. Criteria: Invitae Variant Classification Sherloc (09022015). Collection method: clinical testing. Allele origin: germline.
Comment: This variant results in a copy number gain of the genomic region encompassing exons 1-12 of the PMS2 gene. The 5' end of this event is unknown as it extends beyond the assayed region for this gene and therefore may encompass additional genes. The 3' boundary is likely confined to intron 12 of the PMS2 gene. As the precise location of this event is unknown, it may be in tandem or it may be located elsewhere in the genome. A duplication encompassing exons 1-12 of the PMS2 gene has been reported in an individual affected with colorectal cancer. High levels of microsatellite instability and loss of PMS2 protein were found in the tumor (PMID: 22120844). In summary, the available evidence is currently insufficient to determine the role of this variant in disease. Therefore, it has been classified as a Variant of Uncertain Significance.

Literature cited by the submitters: PubMed 22120844.